The following is an entry in ClinVar:

ClinVar aggregate classification (germline): Uncertain significance (1 of 4 stars; one submission).

Conditions:
Dehydrated hereditary stomatocytosis with or without pseudohyperkalemia and/or perinatal edema (DHS1). Also called: PSEUDOHYPERKALEMIA EDINBURGH; DEHYDRATED HEREDITARY STOMATOCYTOSIS AND PSEUDOHYPERKALEMIA; DEHYDRATED HEREDITARY STOMATOCYTOSIS WITH PSEUDOHYPERKALEMIA AND PERINATAL EDEMA; Pseudohyperkalemia, familial, 1, due to red cell leak; Dehydrated hereditary stomatocytosis 1 with or without pseudohyperkalemia and/or perinatal edema. Identifiers: Orphanet 3202, MedGen C4551512, MONDO:0008689, OMIM 194380.

Allele frequency attached by ClinVar (database versions not stated): gnomAD 0.00001; TOPMed 0.00001.
gnomAD v4.1: 1 of 1,550,836 alleles (0.000064%); highest among the groups gnomAD compares: Non-Finnish European, 0.000087%; no homozygotes.

Submission:

Neuberg Centre For Genomic Medicine, NCGM
Classification: Uncertain significance for Dehydrated hereditary stomatocytosis with or without pseudohyperkalemia and/or perinatal edema. Review status: criteria provided, single submitter. Criteria: ACMG Guidelines, 2015. Collection method: clinical testing. Allele origin: germline. Inheritance: Autosomal dominant inheritance. Affected: yes.
Comment: Dehydrated hereditary stomatocytosis DHS is caused by heterozygous or homozygous mutation in the PIEZO1 gene. It is a nonimmune congenital hemolytic disorder characterized by red blood cell RBC dehydration and lysis. Other severe complications, such as thrombosis and perinatal fluid effusions unrelated to fetal hemoglobin concentration, may also occur. Obstetric and perinatal issues of DHS include Perinatal edema and hydrops fetalis. All patients with perinatal edema seem to harbor a PIEZO1 mutation. In some pregnancies, the fetal edema has been seen with concurrent polyhydramnios Frederiksen H, 2019.

NM_001142864.4(PIEZO1):c.6614A>G (p.Asn2205Ser)

Gene: PIEZO1 (piezo type mechanosensitive ion channel component 1 (Er blood group); minus strand). Cytogenetic location: 16q24.3.
Variant type: single nucleotide variant.
Coding change: c.6614A>G on transcript NM_001142864.4 (MANE Select); coding-DNA position 6614, A replaced by G.
Protein change: p.Asn2205Ser; replaces asparagine 2205 with serine.
Molecular consequence: missense variant.
Genome position (GRCh38, 1-based): chr16:88,717,069, T>C on the plus strand (A>G on the coding strand, the complement: PIEZO1 is on the minus strand). VCF-style: chr16-88717069-T-C. GRCh37 (hg19) VCF-style: chr16-88783477-T-C.
Other names: c.5156A>G, p.Asn1719Ser (NM_014745.1); short protein forms N1719S, N2205S.
Identifiers: ClinVar variation 3234917 (VCV003234917.1), dbSNP rs1394906563, ClinGen allele CA397078989.